The following is an entry in ClinVar:

NM_006164.5(NFE2L2):c.994C>T (p.His332Tyr)

Gene: NFE2L2 (NFE2 like bZIP transcription factor 2; minus strand). Cytogenetic location: 2q31.2.
Variant type: single nucleotide variant.
Coding change: c.994C>T on transcript NM_006164.5 (MANE Select); coding-DNA position 994, C replaced by T.
Protein change: p.His332Tyr; replaces histidine 332 with tyrosine.
Molecular consequence: missense variant.
Genome position (GRCh38, 1-based): chr2:177,231,609, G>A on the plus strand (C>T on the coding strand, the complement: NFE2L2 is on the minus strand). VCF-style: chr2-177231609-G-A. GRCh37 (hg19) VCF-style: chr2-178096337-G-A.
Other names: c.946C>T, p.His316Tyr (NM_001145412.3, NM_001313900.1, NM_001313901.1); c.925C>T, p.His309Tyr (NM_001145413.3); c.904C>T, p.His302Tyr (NM_001313902.2); c.775C>T, p.His259Tyr (NM_001313903.2); c.694C>T, p.His232Tyr (NM_001313904.1); short protein forms H259Y, H332Y, H309Y, H302Y, H232Y, H316Y.
Identifiers: ClinVar variation 1427694 (VCV001427694.8), dbSNP rs767058759, ClinGen allele CA1979763.

ClinVar aggregate classification (germline): Uncertain significance (1 of 4 stars; one submission).

Allele frequency attached by ClinVar (database versions not stated): gnomAD exomes 0.00001 and 0.00002; ExAC 0.00002; gnomAD 0.00005; TOPMed 0.00008.
gnomAD v4.1: 22 of 1,614,046 alleles (0.0014%); highest among the groups gnomAD compares: Middle Eastern, 0.033%; no homozygotes.

Submission:

Labcorp Genetics (formerly Invitae), Labcorp
Classification: Uncertain significance. Last evaluated: 2025-05-01. Review status: criteria provided, single submitter. Criteria: Invitae Variant Classification Sherloc (09022015). Collection method: clinical testing. Allele origin: germline.
Comment: This sequence change replaces histidine, which is basic and polar, with tyrosine, which is neutral and polar, at codon 332 of the NFE2L2 protein (p.His332Tyr). This variant is present in population databases (rs767058759, gnomAD 0.02%). This variant has not been reported in the literature in individuals affected with NFE2L2-related conditions. ClinVar contains an entry for this variant (Variation ID: 1427694). Invitae Evidence Modeling of protein sequence and biophysical properties (such as structural, functional, and spatial information, amino acid conservation, physicochemical variation, residue mobility, and thermodynamic stability) indicates that this missense variant is not expected to disrupt NFE2L2 protein function with a negative predictive value of 80%. In summary, the available evidence is currently insufficient to determine the role of this variant in disease. Therefore, it has been classified as a Variant of Uncertain Significance.